The following is an entry in ClinVar:

NM_000179.3(MSH6):c.311C>G (p.Pro104Arg)

Gene: MSH6 (mutS homolog 6; plus strand). Cytogenetic location: 2p16.3.
Variant type: single nucleotide variant.
Coding change: c.311C>G on transcript NM_000179.3 (MANE Select); coding-DNA position 311, C replaced by G.
Protein change: p.Pro104Arg; replaces proline 104 with arginine.
Molecular consequence: missense variant. On other transcripts: 5 prime UTR variant (7), non-coding transcript variant (5), intron variant (6).
Genome position (GRCh38, 1-based): chr2:47,790,977, C>G. VCF-style: chr2-47790977-C-G. GRCh37 (hg19) VCF-style: chr2-48018116-C-G.
Other names: c.-592C>G (NM_001281494.2); c.407C>G, p.Pro136Arg (NM_001406795.1, NM_001406802.1); c.311C>G, p.Pro104Arg (NM_001406796.1, NM_001406798.1, NM_001406800.1 and 6 more transcripts); c.14C>G, p.Pro5Arg (NM_001406797.1, NM_001406801.1, NM_001406805.1 and 10 more transcripts); c.233C>G, p.Pro78Arg (NM_001406804.1); c.-426C>G (NM_001281493.2, NM_001406811.1, NM_001406823.1 and 1 more transcripts); c.-618C>G (NM_001406807.1); c.-684C>G (NM_001406814.1); and 6 more; short protein forms P104R, P136R, P48R, P5R, P78R.
Identifiers: ClinVar variation 2576783 (VCV002576783.1), dbSNP rs1572708628, ClinGen allele CA346736830.

ClinVar aggregate classification (germline): Uncertain significance (1 of 4 stars; one submission).

Submission:

GeneDx
Classification: Uncertain significance. Last evaluated: 2023-02-16. Review status: criteria provided, single submitter. Criteria: GeneDx Variant Classification Process June 2021. Collection method: clinical testing. Allele origin: germline. Affected: yes.
Comment: Not observed at significant frequency in large population cohorts (gnomAD); In silico analysis supports that this missense variant has a deleterious effect on protein structure/function; Has not been previously published as pathogenic or benign to our knowledge; This variant is associated with the following publications: (PMID: 23391514)